The following is an entry in ClinVar:

ClinVar aggregate classification (germline): Uncertain significance (1 of 4 stars; one submission).

Conditions:
Early-infantile DEE. Also called: Ohtahara syndrome; Early infantile epileptic encephalopathy with suppression bursts; Early infantile epileptic encephalopathy. Identifiers: Orphanet 1934, MedGen C0393706, MONDO:0800491.

Allele frequency attached by ClinVar (database versions not stated): gnomAD exomes below 0.00001.
gnomAD v4.1: 1 of 1,613,938 alleles (0.000062%); highest among the groups gnomAD compares: East Asian, 0.0022%; no homozygotes.

Submission:

Labcorp Genetics (formerly Invitae), Labcorp
Classification: Uncertain significance for Early-infantile DEE. Last evaluated: 2023-04-09. Review status: criteria provided, single submitter. Criteria: Invitae Variant Classification Sherloc (09022015). Collection method: clinical testing. Allele origin: germline.
Comment: In summary, the available evidence is currently insufficient to determine the role of this variant in disease. Therefore, it has been classified as a Variant of Uncertain Significance. Algorithms developed to predict the effect of missense changes on protein structure and function output the following: SIFT: "Not Available"; PolyPhen-2: "Benign"; Align-GVGD: "Not Available". The methionine amino acid residue is found in multiple mammalian species, which suggests that this missense change does not adversely affect protein function. This variant has not been reported in the literature in individuals affected with SPTAN1-related conditions. This variant is not present in population databases (gnomAD no frequency). This sequence change replaces valine, which is neutral and non-polar, with methionine, which is neutral and non-polar, at codon 1175 of the SPTAN1 protein (p.Val1175Met).

NM_001130438.3(SPTAN1):c.3523G>A (p.Val1175Met)

Gene: SPTAN1 (spectrin alpha, non-erythrocytic 1; plus strand). Cytogenetic location: 9q34.11.
Variant type: single nucleotide variant.
Coding change: c.3523G>A on transcript NM_001130438.3 (MANE Select); coding-DNA position 3523, G replaced by A.
Protein change: p.Val1175Met; replaces valine 1175 with methionine.
Molecular consequence: missense variant.
Genome position (GRCh38, 1-based): chr9:128,598,966, G>A. VCF-style: chr9-128598966-G-A. GRCh37 (hg19) VCF-style: chr9-131361245-G-A.
Other names: c.3463G>A, p.Val1155Met (NM_001195532.2, NM_001363765.2, NM_001375314.2); c.3523G>A, p.Val1175Met (NM_001363759.2, NM_001375310.1, NM_001375311.2 and 2 more transcripts); c.3559G>A, p.Val1187Met (NM_001375312.2, NM_001375318.1); short protein forms V1187M, V1175M, V1155M.
Identifiers: ClinVar variation 2854310 (VCV002854310.3), dbSNP rs2541542006, ClinGen allele CA375062536.